The following is an entry in ClinVar:

NC_000006.11:g.(?_131902339)_(131905048_?)dup

Genes: ARG1 (arginase 1; plus strand), MED23 (mediator complex subunit 23; minus strand). Cytogenetic location: 6q23.2.
Variant type: Duplication.
Identifiers: ClinVar variation 2422190 (VCV002422190.3).

ClinVar aggregate classification (germline): Uncertain significance (1 of 4 stars; one submission).

Conditions:
Arginase deficiency. Also called: Arginase 1 Deficiency; ARGININEMIA; ARG1 DEFICIENCY. Identifiers: Orphanet 90, MedGen C0268548, MONDO:0008814, OMIM 207800.

Submission:

Labcorp Genetics (formerly Invitae), Labcorp
Classification: Uncertain significance for Arginase deficiency. Last evaluated: 2022-03-09. Review status: criteria provided, single submitter. Criteria: Invitae Variant Classification Sherloc (09022015). Collection method: clinical testing. Allele origin: germline.
Comment: This variant results in a copy number gain of the genomic region encompassing exon(s) 4-8 of the ARG1 gene. This region includes the termination codon of the gene. This copy number gain extends beyond the assayed region for this gene and therefore may encompass additional genes. As the precise location of this event is unknown, it may be in tandem or it may be located elsewhere in the genome. This variant has not been reported in the literature in individuals affected with ARG1-related conditions. In summary, the available evidence is currently insufficient to determine the role of this variant in disease. Therefore, it has been classified as a Variant of Uncertain Significance.